The following is an entry in ClinVar:

NM_001376.5(DYNC1H1):c.4143G>A (p.Ala1381=)

Gene: DYNC1H1 (dynein cytoplasmic 1 heavy chain 1; plus strand). Cytogenetic location: 14q32.31.
Variant type: single nucleotide variant.
Coding change: c.4143G>A on transcript NM_001376.5 (MANE Select); coding-DNA position 4143, G replaced by A.
Protein change: p.Ala1381=; no amino-acid change (alanine 1381 retained).
Molecular consequence: synonymous variant.
Genome position (GRCh38, 1-based): chr14:102,001,022, G>A. VCF-style: chr14-102001022-G-A. GRCh37 (hg19) VCF-style: chr14-102467359-G-A.
Identifiers: ClinVar variation 415336 (VCV000415336.26), dbSNP rs373334821, ClinGen allele CA7352177.

ClinVar aggregate classification (germline): Benign/Likely benign. Review status: criteria provided, multiple submitters, no conflicts (2 of 4 stars). 4 submissions from 4 submitters: Benign (2); Likely benign (2). Last evaluated 2026-02-01.

Conditions:
Inborn genetic diseases. Identifiers: MedGen C0950123, MeSH D030342.
Charcot-Marie-Tooth disease axonal type 2O. Also called: Charcot-Marie-Tooth disease, axonal, type 20; CHARCOT-MARIE-TOOTH NEUROPATHY, AXONAL, TYPE 2O; CHARCOT-MARIE-TOOTH DISEASE, AXONAL, AUTOSOMAL DOMINANT, TYPE 2O; Charcot-Marie-Tooth Neuropathy Type 2O. Identifiers: Orphanet 284232, MedGen C3280220, MONDO:0013644, OMIM 614228.

Allele frequency attached by ClinVar (database versions not stated): gnomAD 0.00003; gnomAD exomes 0.00003 and 0.00009; TOPMed 0.00003; ExAC 0.00012.
gnomAD v4.1: 52 of 1,614,098 alleles (0.0032%); highest among the groups gnomAD compares: South Asian, 0.026%; no homozygotes.

Submissions (4):

Labcorp Genetics (formerly Invitae), Labcorp
Classification: Benign for Charcot-Marie-Tooth disease axonal type 2O. Last evaluated: 2026-02-01. Review status: criteria provided, single submitter. Criteria: Invitae Variant Classification Sherloc (09022015). Collection method: clinical testing. Allele origin: germline.

CeGaT Center for Human Genetics Tuebingen
Classification: Likely benign. Last evaluated: 2025-08-01. Review status: criteria provided, single submitter. Criteria: CeGaT Center For Human Genetics Tuebingen Variant Classification Criteria Version 2. Collection method: clinical testing. Allele origin: germline. Affected: yes. Observed: 1 variant allele.
Comment: DYNC1H1: BP4, BP7

GeneDx
Classification: Benign. Last evaluated: 2019-08-05. Review status: criteria provided, single submitter. Criteria: GeneDx Variant Classification Process June 2021. Collection method: clinical testing. Allele origin: germline. Affected: yes.

Ambry Genetics
Classification: Likely benign for Inborn genetic diseases. Last evaluated: 2016-05-24. Review status: criteria provided, single submitter. Criteria: Ambry Variant Classification Scheme 2023. Collection method: clinical testing. Allele origin: germline.